The following is an entry in ClinVar:

NM_001363711.2(DUOX2):c.-14-5C>A

Gene: DUOX2 (dual oxidase 2; minus strand). Cytogenetic location: 15q21.1.
Variant type: single nucleotide variant.
Coding change: c.-14-5C>A on transcript NM_001363711.2 (MANE Select); 5 bases into the intron before 14 bases upstream of the start codon, C replaced by A.
Molecular consequence: intron variant.
Genome position (GRCh38, 1-based): chr15:45,113,430, G>T on the plus strand (C>A on the coding strand, the complement: DUOX2 is on the minus strand). VCF-style: chr15-45113430-G-T. GRCh37 (hg19) VCF-style: chr15-45405628-G-T.
Other names: c.-14-5C>A (NM_014080.5).
Identifiers: ClinVar variation 2645290 (VCV002645290.24), dbSNP rs201463794, ClinGen allele CA270135809.

ClinVar aggregate classification (germline): Likely benign (1 of 4 stars; one submission).

Allele frequency attached by ClinVar (database versions not stated): gnomAD 0.00001; 1000 Genomes Project 30x 0.00016; 1000 Genomes Project 0.00020.
gnomAD v4.1: 5 of 1,553,732 alleles (0.00032%); highest among the groups gnomAD compares: Non-Finnish European, 0.00044%; no homozygotes.

Submission:

CeGaT Center for Human Genetics Tuebingen
Classification: Likely benign. Last evaluated: 2023-04-01. Review status: criteria provided, single submitter. Criteria: CeGaT Center For Human Genetics Tuebingen Variant Classification Criteria Version 2. Collection method: clinical testing. Allele origin: germline. Affected: yes. Observed: 1 variant allele.
Comment: DUOX2: BP4